The following is an entry in ClinVar:

NM_015295.3(SMCHD1):c.4127A>T (p.Asp1376Val)

Gene: SMCHD1 (structural maintenance of chromosomes flexible hinge domain containing 1; plus strand). Cytogenetic location: 18p11.32.
Variant type: single nucleotide variant.
Coding change: c.4127A>T on transcript NM_015295.3 (MANE Select); coding-DNA position 4127, A replaced by T.
Protein change: p.Asp1376Val; replaces aspartic acid 1376 with valine.
Molecular consequence: missense variant.
Genome position (GRCh38, 1-based): chr18:2,750,469, A>T. VCF-style: chr18-2750469-A-T. GRCh37 (hg19) VCF-style: chr18-2750467-A-T.
Other names: NP_056110.2:p.(Asp1376Val); short protein forms D1376V.
Identifiers: ClinVar variation 4887975 (VCV004887975.1).

ClinVar aggregate classification (germline): Likely benign (1 of 4 stars; one submission).

Conditions:
Facioscapulohumeral muscular dystrophy 2 (FSHD2). Also called: FACIOSCAPULOHUMERAL MUSCULAR DYSTROPHY 2, DIGENIC; FSHD2, DIGENIC; MUSCULAR DYSTROPHY, FACIOSCAPULOHUMERAL, TYPE 1B. Identifiers: Orphanet 269, MedGen C1834671, MONDO:0008031, OMIM 158901.

Submission:

Laboratory of Functional Genomics, Research Centre for Medical Genetics
Classification: Likely benign for Facioscapulohumeral muscular dystrophy 2. Last evaluated: 2024-08-28. Review status: criteria provided, single submitter. Criteria: ACMG Guidelines, 2015. Collection method: clinical testing. Allele origin: germline, inherited. Inheritance: Autosomal dominant inheritance. Affected: yes. Observed: 2 variant alleles, 2 heterozygotes.
Comment: The variant NP_056110.2.(Asp1376Val) was identified in a family with clinical features of muscular dystrophy and is absent from population databases. The absence of D4Z4 hypomethylation in both affected variant carriers, particularly in the proband lacking a permissive shortened 4qA allele, argues against a pathogenic role of the variant and does not support its involvement in the FSHD2 phenotype.